The following is an entry in ClinVar:

NM_001253852.3(AP4B1):c.683G>A (p.Arg228His)

Genes: AP4B1-AS1 (AP4B1 antisense RNA 1; plus strand), AP4B1 (adaptor related protein complex 4 subunit beta 1; minus strand). Cytogenetic location: 1p13.2.
Variant type: single nucleotide variant.
Coding change: c.683G>A on transcript NM_001253852.3 (MANE Select); coding-DNA position 683, G replaced by A.
Protein change: p.Arg228His; replaces arginine 228 with histidine.
Molecular consequence: missense variant. On other transcripts: non-coding transcript variant (2).
Genome position (GRCh38, 1-based): chr1:113,900,335, C>T on the plus strand (G>A on the coding strand, the complement: AP4B1 is on the minus strand). VCF-style: chr1-113900335-C-T. GRCh37 (hg19) VCF-style: chr1-114442957-C-T.
Other names: c.386G>A, p.Arg129His (NM_001253853.3); c.179G>A, p.Arg60His (NM_001308312.2); c.683G>A, p.Arg228His (NM_006594.5); short protein forms R228H, R129H, R60H.
Identifiers: ClinVar variation 589124 (VCV000589124.7), dbSNP rs773497515, ClinGen allele CA1016030.

ClinVar aggregate classification (germline): Uncertain significance. Review status: criteria provided, multiple submitters, no conflicts (2 of 4 stars). 3 submissions from 3 submitters: Uncertain significance (3). Last evaluated 2025-08-22.

Conditions:
Inborn genetic diseases. Identifiers: MedGen C0950123, MeSH D030342.
Hereditary spastic paraplegia 47. Also called: adaptor protein 4 (AP-4) deficiency syndrome; Spastic paraplegia 47, autosomal recessive; CEREBRAL PALSY, SPASTIC QUADRIPLEGIC, 5. Identifiers: Orphanet 280763, MedGen C3279738, MONDO:0013551, OMIM 614066.

Allele frequency attached by ClinVar (database versions not stated): TOPMed 0.00002; ExAC 0.00003; gnomAD 0.00003 and 0.00004; gnomAD exomes 0.00004 and 0.00006.
gnomAD v4.1: 85 of 1,610,338 alleles (0.0053%); highest among the groups gnomAD compares: Non-Finnish European, 0.005%; no homozygotes.

Submissions (3):

Labcorp Genetics (formerly Invitae), Labcorp
Classification: Uncertain significance for Hereditary spastic paraplegia 47. Last evaluated: 2025-08-22. Review status: criteria provided, single submitter. Criteria: Invitae Variant Classification Sherloc (09022015). Collection method: clinical testing. Allele origin: germline.
Comment: This sequence change replaces arginine, which is basic and polar, with histidine, which is basic and polar, at codon 228 of the AP4B1 protein (p.Arg228His). This variant is present in population databases (rs773497515, gnomAD 0.02%). This variant has not been reported in the literature in individuals affected with AP4B1-related conditions. ClinVar contains an entry for this variant (Variation ID: 589124). An algorithm developed to predict the effect of missense changes on protein structure and function outputs the following: PolyPhen-2: "Benign". The histidine amino acid residue is found in multiple mammalian species, which suggests that this missense change does not adversely affect protein function. In summary, the available evidence is currently insufficient to determine the role of this variant in disease. Therefore, it has been classified as a Variant of Uncertain Significance.

Blueprint Genetics
Classification: Uncertain significance. Last evaluated: 2023-11-22. Review status: criteria provided, single submitter. Criteria: ACMG Guidelines, 2015. Collection method: clinical testing. Allele origin: germline.

Ambry Genetics
Classification: Uncertain significance for Inborn genetic diseases. Last evaluated: 2017-05-31. Review status: criteria provided, single submitter. Criteria: Ambry Variant Classification Scheme 2023. Collection method: clinical testing. Allele origin: germline.
Comment: The p.R228H variant (also known as c.683G>A), located in coding exon 5 of the AP4B1 gene, results from a G to A substitution at nucleotide position 683. The arginine at codon 228 is replaced by histidine, an amino acid with highly similar properties. This amino acid position is not well conserved in available vertebrate species. In addition, this alteration is predicted to be tolerated by in silico analysis. Since supporting evidence is limited at this time, the clinical significance of this alteration remains unclear.